The following is an entry in ClinVar:

ClinVar aggregate classification (germline): Benign. Review status: criteria provided, multiple submitters, no conflicts (2 of 4 stars). 25 submissions from 18 submitters: Benign (21). 4 of the submissions do not count toward it. Last evaluated 2026-02-04.

Conditions:
Dilated cardiomyopathy 1G (CMD1G). Identifiers: Orphanet 154, MedGen C1858763, MONDO:0011400, OMIM 604145.
Autosomal recessive limb-girdle muscular dystrophy type 2J (LGMDR10). Also called: MUSCULAR DYSTROPHY, LIMB-GIRDLE, AUTOSOMAL RECESSIVE 10; Limb-girdle muscular dystrophy, type 2J. Identifiers: Orphanet 140922, MedGen C1837342, MONDO:0012127, OMIM 608807.
Cardiovascular phenotype. Identifiers: MedGen CN230736.
Early-onset myopathy with fatal cardiomyopathy (CMYO5). Also called: CONGENITAL MYOPATHY 5 WITH CARDIOMYOPATHY; Salih Myopathy. Identifiers: Orphanet 289377, MedGen C2673677, MONDO:0012714, OMIM 611705. Disease mechanism: loss of function.
Myopathy, myofibrillar, 9, with early respiratory failure (MFM9). Also called: Myopathy, distal, with early respiratory failure, autosomal dominant; Hereditary myopathy with early respiratory failure; MYOPATHY, PROXIMAL, WITH EARLY RESPIRATORY MUSCLE INVOLVEMENT; EDSTROM MYOPATHY. Identifiers: Orphanet 178464, Orphanet 34521, MedGen C1863599, MONDO:0011362, OMIM 603689.
Tibial muscular dystrophy (TMD). Also called: Udd Distal Myopathy – Tibial Muscular Dystrophy; Tibial muscular dystrophy, tardive; UDD MYOPATHY. Identifiers: Orphanet 609, MedGen C1838244, MONDO:0010870, OMIM 600334.

Allele frequency attached by ClinVar (database versions not stated): 1000 Genomes Project 30x 0.12648; 1000 Genomes Project 0.12700; TOPMed 0.18358; ESP Exome Variant Server 0.22001; gnomAD exomes 0.23297 and 0.28589; gnomAD 0.21294 and 0.21406; ExAC 0.23487.
gnomAD v4.1: 448,234 of 1,613,028 alleles (28%); highest among the groups gnomAD compares: Non-Finnish European, 31%; 67,882 homozygotes.

Submissions (25):

Labcorp Genetics (formerly Invitae), Labcorp
Classification: Benign for Dilated cardiomyopathy 1G; Autosomal recessive limb-girdle muscular dystrophy type 2J. Last evaluated: 2026-02-04. Review status: criteria provided, single submitter. Criteria: Invitae Variant Classification Sherloc (09022015). Collection method: clinical testing. Allele origin: germline.

Molecular Diagnostic Laboratory for Inherited Cardiovascular Disease, Montreal Heart Institute
Classification: Benign. Last evaluated: 2025-04-09. Review status: criteria provided, single submitter. Criteria: ACMG Guidelines, 2015. Collection method: clinical testing. Allele origin: germline. Affected: no.

Blueprint Genetics
Classification: Benign. Last evaluated: 2024-11-26. Review status: criteria provided, single submitter. Criteria: ACMG Guidelines, 2015. Collection method: clinical testing. Allele origin: germline.

Genome-Nilou Lab
Classification: Benign for Autosomal recessive limb-girdle muscular dystrophy type 2J. Last evaluated: 2021-09-10. Review status: criteria provided, single submitter. Criteria: ACMG Guidelines, 2015. Collection method: clinical testing. Allele origin: germline. Affected: no.

Genome-Nilou Lab
Classification: Benign for Myopathy, myofibrillar, 9, with early respiratory failure. Last evaluated: 2021-09-10. Review status: criteria provided, single submitter. Criteria: ACMG Guidelines, 2015. Collection method: clinical testing. Allele origin: germline. Affected: no.

Genome-Nilou Lab
Classification: Benign for Early-onset myopathy with fatal cardiomyopathy. Last evaluated: 2021-09-10. Review status: criteria provided, single submitter. Criteria: ACMG Guidelines, 2015. Collection method: clinical testing. Allele origin: germline. Affected: no.

Genome-Nilou Lab
Classification: Benign for Tibial muscular dystrophy. Last evaluated: 2021-09-10. Review status: criteria provided, single submitter. Criteria: ACMG Guidelines, 2015. Collection method: clinical testing. Allele origin: germline. Affected: no.

Women's Health and Genetics/Laboratory Corporation of America, LabCorp
Classification: Benign. Last evaluated: 2019-08-09. Review status: criteria provided, single submitter. Criteria: LabCorp Variant Classification Summary - May 2015. Collection method: clinical testing. Allele origin: germline.

Athena Diagnostics
Classification: Benign. Last evaluated: 2018-11-02. Review status: criteria provided, single submitter. Criteria: Athena Diagnostics Criteria. Collection method: clinical testing. Allele origin: germline.

Illumina Laboratory Services, Illumina
Classification: Benign for Myopathy, myofibrillar, 9, with early respiratory failure. Last evaluated: 2018-01-13. Review status: criteria provided, single submitter. Criteria: ICSL Variant Classification Criteria 13 December 2019. Collection method: clinical testing. Allele origin: germline.
Comment: This variant was observed in the ICSL laboratory as part of a predisposition screen in an ostensibly healthy population. It had not been previously curated by ICSL or reported in the Human Gene Mutation Database (HGMD: prior to June 1st, 2018), and was therefore a candidate for classification through an automated scoring system. Utilizing variant allele frequency, disease prevalence and penetrance estimates, and inheritance mode, an automated score was calculated to assess if this variant is too frequent to cause the disease. Based on the score and internal cut-off values, a variant classified as benign is not then subjected to further curation. The score for this variant resulted in a classification of benign for this disease.

Illumina Laboratory Services, Illumina
Classification: Benign for Autosomal recessive limb-girdle muscular dystrophy type 2J. Last evaluated: 2018-01-13. Review status: criteria provided, single submitter. Criteria: ICSL Variant Classification Criteria 13 December 2019. Collection method: clinical testing. Allele origin: germline.
Comment: the same text as in the submission from Illumina Laboratory Services, Illumina above.

Illumina Laboratory Services, Illumina
Classification: Benign for Tibial muscular dystrophy. Last evaluated: 2018-01-13. Review status: criteria provided, single submitter. Criteria: ICSL Variant Classification Criteria 13 December 2019. Collection method: clinical testing. Allele origin: germline.
Comment: the same text as in the submission from Illumina Laboratory Services, Illumina above.

Illumina Laboratory Services, Illumina
Classification: Benign for Dilated cardiomyopathy 1G. Last evaluated: 2018-01-13. Review status: criteria provided, single submitter. Criteria: ICSL Variant Classification Criteria 13 December 2019. Collection method: clinical testing. Allele origin: germline.
Comment: the same text as in the submission from Illumina Laboratory Services, Illumina above.

Illumina Laboratory Services, Illumina
Classification: Benign for Early-onset myopathy with fatal cardiomyopathy. Last evaluated: 2018-01-13. Review status: criteria provided, single submitter. Criteria: ICSL Variant Classification Criteria 13 December 2019. Collection method: clinical testing. Allele origin: germline.
Comment: the same text as in the submission from Illumina Laboratory Services, Illumina above.

Mayo Clinic Laboratories, Mayo Clinic
Classification: Benign. Last evaluated: 2017-07-24. Review status: criteria provided, single submitter. Criteria: ACMG Guidelines, 2015. Collection method: clinical testing. Allele origin: germline. Observed: 1,027 variant alleles.

Genetic Services Laboratory, University of Chicago
Classification: Benign for AllHighlyPenetrant. Last evaluated: 2013-08-15. Review status: criteria provided, single submitter. Criteria: ACMG Guidelines, 2007. Collection method: clinical testing. Allele origin: germline.

Ambry Genetics
Classification: Benign for Cardiovascular phenotype. Last evaluated: 2013-01-15. Review status: criteria provided, single submitter. Criteria: Ambry Autosomal Dominant and X-Linked criteria (10/2015). Collection method: clinical testing. Allele origin: germline. Observed: 1 variant allele.

GeneDx
Classification: Benign. Last evaluated: 2012-10-30. Review status: criteria provided, single submitter. Criteria: GeneDx Variant Classification (06012015). Collection method: clinical testing. Allele origin: germline. Affected: yes.
Comment: This variant is considered likely benign or benign based on one or more of the following criteria: it is a conservative change, it occurs at a poorly conserved position in the protein, it is predicted to be benign by multiple in silico algorithms, and/or has population frequency not consistent with disease.

Laboratory for Molecular Medicine, Mass General Brigham Personalized Medicine
Classification: Benign. Last evaluated: 2011-09-16. Review status: criteria provided, single submitter. Criteria: LMM Criteria. Collection method: clinical testing. Allele origin: germline. Observed: 771 variant alleles.

Breakthrough Genomics
Classification: Benign. Review status: criteria provided, single submitter. Criteria: ACMG Guidelines, 2015. Collection method: not provided. Allele origin: germline. Inheritance: Autosomal recessive inheritance. Affected: yes.

PreventionGenetics, part of Exact Sciences
Classification: Benign. Review status: criteria provided, single submitter. Criteria: ACMG Guidelines, 2015. Collection method: clinical testing. Allele origin: germline.

Clinical Genetics DNA and cytogenetics Diagnostics Lab, Erasmus MC, Erasmus Medical Center
Classification: Benign. Review status: no assertion criteria provided. Collection method: clinical testing. Allele origin: germline. Affected: yes. Study: VKGL Data-share Consensus. Not counted in ClinVar's aggregate classification.

Clinical Genetics, Academic Medical Center
Classification: Benign. Review status: no assertion criteria provided. Collection method: clinical testing. Allele origin: germline. Affected: yes. Study: VKGL Data-share Consensus. Not counted in ClinVar's aggregate classification.

Diagnostic Laboratory, Department of Genetics, University Medical Center Groningen
Classification: Benign. Review status: no assertion criteria provided. Collection method: clinical testing. Allele origin: germline. Affected: yes. Study: VKGL Data-share Consensus. Not counted in ClinVar's aggregate classification.

Joint Genome Diagnostic Labs from Nijmegen and Maastricht, Radboudumc and MUMC+
Classification: Benign. Review status: no assertion criteria provided. Collection method: clinical testing. Allele origin: germline. Affected: yes. Study: VKGL Data-share Consensus. Not counted in ClinVar's aggregate classification.

NM_001267550.2(TTN):c.57315T>C (p.His19105=)

Genes: TTN (titin; minus strand), TTN-AS1 (TTN antisense RNA 1; plus strand). Cytogenetic location: 2q31.2.
Variant type: single nucleotide variant.
Coding change: c.57315T>C on transcript NM_001267550.2 (MANE Select); coding-DNA position 57315, T replaced by C.
Protein change: p.His19105=; no amino-acid change (histidine 19105 retained).
Molecular consequence: synonymous variant.
Genome position (GRCh38, 1-based): chr2:178,597,767, A>G on the plus strand (T>C on the coding strand, the complement: TTN is on the minus strand). VCF-style: chr2-178597767-A-G. GRCh37 (hg19) VCF-style: chr2-179462494-A-G.
Other names: p.H17464H:CAT>CAC; p.His16537=; c.52392T>C, p.His17464= (NM_001256850.1); c.30120T>C, p.His10040= (NM_003319.4); c.49611T>C, p.His16537= (NM_133378.4); c.30495T>C, p.His10165= (NM_133432.3); c.30696T>C, p.His10232= (NM_133437.4).
Identifiers: ClinVar variation 47120 (VCV000047120.37), dbSNP rs35833641, ClinGen allele CA283475.